The following is an entry in ClinVar:

NM_005629.4(SLC6A8):c.1713C>T (p.Cys571=)

Gene: SLC6A8 (solute carrier family 6 member 8; plus strand). Cytogenetic location: Xq28.
Variant type: single nucleotide variant.
Coding change: c.1713C>T on transcript NM_005629.4 (MANE Select); coding-DNA position 1713, C replaced by T.
Protein change: p.Cys571=; no amino-acid change (cysteine 571 retained).
Molecular consequence: synonymous variant.
Genome position (GRCh38, 1-based): chrX:153,694,835, C>T. VCF-style: chrX-153694835-C-T. GRCh37 (hg19) VCF-style: chrX-152960290-C-T.
Other names: c.1683C>T, p.Cys561= (NM_001142805.2); c.1368C>T, p.Cys456= (NM_001142806.1).
Identifiers: ClinVar variation 416003 (VCV000416003.24), dbSNP rs782244505, ClinGen allele CA10549624.

ClinVar aggregate classification (germline): Benign/Likely benign. Review status: criteria provided, multiple submitters, no conflicts (2 of 4 stars). 6 submissions from 6 submitters: Benign (2); Likely benign (4). Last evaluated 2026-05-01.

Conditions:
Inborn genetic diseases. Identifiers: MedGen C0950123, MeSH D030342.
Creatine transporter deficiency (CCDS1). Also called: Creatine Transporter (CRTR) Deficiency; Mental retardation , X-linked with seizures, short stature and midface hypoplasia; Mental retardation , X-linked, with creatine transport deficiency; X-linked creatine transporter deficiency; X-linked creatine deficiency syndrome; SLC6A8-Related Creatine Transporter Deficiency. Identifiers: Orphanet 52503, MedGen C1845862, MONDO:0010305, OMIM 300352.

Allele frequency attached by ClinVar (database versions not stated): gnomAD 0.00005; gnomAD exomes 0.00011 and 0.00021; TOPMed 0.00015; ExAC 0.00021.
gnomAD v4.1: 136 of 1,207,372 alleles (0.011%); highest among the groups gnomAD compares: South Asian, 0.09%; no homozygotes.

Submissions (6):

CeGaT Center for Human Genetics Tuebingen
Classification: Likely benign. Last evaluated: 2026-05-01. Review status: criteria provided, single submitter. Criteria: CeGaT Center For Human Genetics Tuebingen Variant Classification Criteria Version 2. Collection method: clinical testing. Allele origin: germline. Affected: yes. Observed: 1 variant allele.
Comment: SLC6A8: BP4, BP7

Labcorp Genetics (formerly Invitae), Labcorp
Classification: Benign for Creatine transporter deficiency. Last evaluated: 2026-01-19. Review status: criteria provided, single submitter. Criteria: Invitae Variant Classification Sherloc (09022015). Collection method: clinical testing. Allele origin: germline.

Blueprint Genetics
Classification: Likely benign. Last evaluated: 2024-02-05. Review status: criteria provided, single submitter. Criteria: ACMG Guidelines, 2015. Collection method: clinical testing. Allele origin: germline.

GeneDx
Classification: Likely benign. Last evaluated: 2021-01-11. Review status: criteria provided, single submitter. Criteria: GeneDx Variant Classification Process June 2021. Collection method: clinical testing. Allele origin: germline. Affected: yes.

Genetic Services Laboratory, University of Chicago
Classification: Benign. Last evaluated: 2017-08-04. Review status: criteria provided, single submitter. Criteria: ACMG Guidelines, 2015. Collection method: clinical testing. Allele origin: germline. Affected: no.

Ambry Genetics
Classification: Likely benign for Inborn genetic diseases. Last evaluated: 2017-02-10. Review status: criteria provided, single submitter. Criteria: Ambry Variant Classification Scheme 2023. Collection method: clinical testing. Allele origin: germline.